The following is an entry in ClinVar:

ClinVar aggregate classification (germline): Uncertain significance (1 of 4 stars; one submission).

Allele frequency attached by ClinVar (database versions not stated): gnomAD exomes 0.00001 and 0.00002; gnomAD 0.00002; ExAC 0.00003; TOPMed 0.00003; ESP Exome Variant Server 0.00009.
gnomAD v4.1: 9 of 1,206,301 alleles (0.00075%); highest among the groups gnomAD compares: African/African-American, 0.014%; no homozygotes.

Submission:

Labcorp Genetics (formerly Invitae), Labcorp
Classification: Uncertain significance. Last evaluated: 2024-10-21. Review status: criteria provided, single submitter. Criteria: Invitae Variant Classification Sherloc (09022015). Collection method: clinical testing. Allele origin: germline.
Comment: This sequence change replaces arginine, which is basic and polar, with histidine, which is basic and polar, at codon 1916 of the CACNA1F protein (p.Arg1916His). This variant is present in population databases (rs371119362, gnomAD 0.02%). This variant has not been reported in the literature in individuals affected with CACNA1F-related conditions. ClinVar contains an entry for this variant (Variation ID: 1511055). An algorithm developed to predict the effect of missense changes on protein structure and function outputs the following: PolyPhen-2: "Benign". The histidine amino acid residue is found in multiple mammalian species, which suggests that this missense change does not adversely affect protein function. In summary, the available evidence is currently insufficient to determine the role of this variant in disease. Therefore, it has been classified as a Variant of Uncertain Significance.

NM_001256789.3(CACNA1F):c.5714G>A (p.Arg1905His)

Gene: CACNA1F (calcium voltage-gated channel subunit alpha1 F; minus strand). Cytogenetic location: Xp11.23.
Variant type: single nucleotide variant.
Coding change: c.5714G>A on transcript NM_001256789.3 (MANE Select); coding-DNA position 5714, G replaced by A.
Protein change: p.Arg1905His; replaces arginine 1905 with histidine.
Molecular consequence: missense variant.
Genome position (GRCh38, 1-based): chrX:49,205,324, C>T on the plus strand (G>A on the coding strand, the complement: CACNA1F is on the minus strand). VCF-style: chrX-49205324-C-T. GRCh37 (hg19) VCF-style: chrX-49061784-C-T.
Other names: c.5552G>A, p.Arg1851His (NM_001256790.3); c.5747G>A, p.Arg1916His (NM_005183.4); short protein forms R1851H, R1905H, R1916H.
Identifiers: ClinVar variation 1511055 (VCV001511055.6), dbSNP rs371119362, ClinGen allele CA10409914.